The following is an entry in ClinVar:

NM_014679.5(CEP57):c.670A>G (p.Arg224Gly)

Gene: CEP57 (centrosomal protein 57; plus strand). Cytogenetic location: 11q21.
Variant type: single nucleotide variant.
Coding change: c.670A>G on transcript NM_014679.5 (MANE Select); coding-DNA position 670, A replaced by G.
Protein change: p.Arg224Gly; replaces arginine 224 with glycine.
Molecular consequence: missense variant.
Genome position (GRCh38, 1-based): chr11:95,818,875, A>G. VCF-style: chr11-95818875-A-G. GRCh37 (hg19) VCF-style: chr11-95552039-A-G.
Other names: c.643A>G, p.Arg215Gly (NM_001243776.2); c.670A>G, p.Arg224Gly (NM_001243777.2); c.589A>G, p.Arg197Gly (NM_001363604.2); short protein forms R215G, R224G, R197G.
Identifiers: ClinVar variation 640663 (VCV000640663.10), dbSNP rs755140070, ClinGen allele CA6239559.

ClinVar aggregate classification (germline): Uncertain significance. Review status: criteria provided, multiple submitters, no conflicts (2 of 4 stars). 2 submissions from 2 submitters: Uncertain significance (2). Last evaluated 2025-08-03.

Conditions:
Inborn genetic diseases. Identifiers: MedGen C0950123, MeSH D030342.
Mosaic variegated aneuploidy syndrome 2 (MVA2). Identifiers: Orphanet 1052, MedGen C3279843, MONDO:0013582, OMIM 614114.

Allele frequency attached by ClinVar (database versions not stated): gnomAD exomes 0.00001 and 0.00004; gnomAD 0.00002; ExAC 0.00003; TOPMed 0.00003.
gnomAD v4.1: 16 of 1,613,954 alleles (0.00099%); highest among the groups gnomAD compares: Admixed American, 0.025%; no homozygotes.

Submissions (2):

Labcorp Genetics (formerly Invitae), Labcorp
Classification: Uncertain significance for Mosaic variegated aneuploidy syndrome 2. Last evaluated: 2025-08-03. Review status: criteria provided, single submitter. Criteria: Invitae Variant Classification Sherloc (09022015). Collection method: clinical testing. Allele origin: germline.
Comment: This sequence change replaces arginine, which is basic and polar, with glycine, which is neutral and non-polar, at codon 224 of the CEP57 protein (p.Arg224Gly). This variant is present in population databases (rs755140070, gnomAD 0.03%). This variant has not been reported in the literature in individuals affected with CEP57-related conditions. ClinVar contains an entry for this variant (Variation ID: 640663). Invitae Evidence Modeling of protein sequence and biophysical properties (such as structural, functional, and spatial information, amino acid conservation, physicochemical variation, residue mobility, and thermodynamic stability) indicates that this missense variant is expected to disrupt CEP57 protein function with a positive predictive value of 80%. In summary, the available evidence is currently insufficient to determine the role of this variant in disease. Therefore, it has been classified as a Variant of Uncertain Significance.

Ambry Genetics
Classification: Uncertain significance for Inborn genetic diseases. Last evaluated: 2025-04-03. Review status: criteria provided, single submitter. Criteria: Ambry Variant Classification Scheme 2023. Collection method: clinical testing. Allele origin: germline.